The following is an entry in ClinVar:

NM_001267550.2(TTN):c.84376C>T (p.Gln28126Ter)

Genes: TTN (titin; minus strand), TTN-AS1 (TTN antisense RNA 1; plus strand). Cytogenetic location: 2q31.2.
Variant type: single nucleotide variant.
Coding change: c.84376C>T on transcript NM_001267550.2 (MANE Select); coding-DNA position 84376, C replaced by T.
Protein change: p.Gln28126Ter; replaces glutamine 28126 with a stop codon.
Molecular consequence: nonsense.
Genome position (GRCh38, 1-based): chr2:178,561,756, G>A on the plus strand (C>T on the coding strand, the complement: TTN is on the minus strand). VCF-style: chr2-178561756-G-A. GRCh37 (hg19) VCF-style: chr2-179426483-G-A.
Other names: c.79453C>T, p.Gln26485Ter (NM_001256850.1); c.57181C>T, p.Gln19061Ter (NM_003319.4); c.76672C>T, p.Gln25558Ter (NM_133378.4); c.57556C>T, p.Gln19186Ter (NM_133432.3); c.57757C>T, p.Gln19253Ter (NM_133437.4); c.84376C>T (NM_001267550.1, LRG_391t1); short protein forms Q28126*, Q19253*, Q19061*, Q19186*, Q25558*, Q26485*.
Identifiers: ClinVar variation 223387 (VCV000223387.13), dbSNP rs869312119, ClinGen allele CA353231.
Genomic context (GRCh38, chr2:178,561,756, plus strand): 5'-CAGCTGAAGATTCACTGTAGGAGCTCTTTCCATAGCGGTTTTCTGCACAAACACGGAACT[G>A]ATACTCACTTCCTGTTGTCAGGCGAACTATTTTAATGGATGTTCTTGCAACTGCTTGTGA-3'

ClinVar aggregate classification (germline): Likely pathogenic. Review status: criteria provided, multiple submitters, no conflicts (2 of 4 stars). 5 submissions from 5 submitters: Likely pathogenic (5). Last evaluated 2025-11-11.

Conditions:
Autosomal recessive limb-girdle muscular dystrophy type 2J (LGMDR10). Also called: MUSCULAR DYSTROPHY, LIMB-GIRDLE, AUTOSOMAL RECESSIVE 10; Limb-girdle muscular dystrophy, type 2J. Identifiers: Orphanet 140922, MedGen C1837342, MONDO:0012127, OMIM 608807.
Dilated cardiomyopathy 1G (CMD1G). Identifiers: Orphanet 154, MedGen C1858763, MONDO:0011400, OMIM 604145.
Cardiovascular phenotype. Identifiers: MedGen CN230736.
Tibial muscular dystrophy (TMD). Also called: Udd Distal Myopathy – Tibial Muscular Dystrophy; UDD MYOPATHY; Tibial muscular dystrophy, tardive. Identifiers: Orphanet 609, MedGen C1838244, MONDO:0010870, OMIM 600334.
Early-onset myopathy with fatal cardiomyopathy (CMYO5). Also called: CONGENITAL MYOPATHY 5 WITH CARDIOMYOPATHY; Salih Myopathy. Identifiers: Orphanet 289377, MedGen C2673677, MONDO:0012714, OMIM 611705. Disease mechanism: loss of function.
Myopathy, myofibrillar, 9, with early respiratory failure (MFM9). Also called: EDSTROM MYOPATHY; MYOPATHY, PROXIMAL, WITH EARLY RESPIRATORY MUSCLE INVOLVEMENT; Hereditary myopathy with early respiratory failure; Myopathy, distal, with early respiratory failure, autosomal dominant. Identifiers: Orphanet 178464, Orphanet 34521, MedGen C1863599, MONDO:0011362, OMIM 603689.
Hypertrophic cardiomyopathy 9. Also called: Familial hypertrophic cardiomyopathy 9. Identifiers: MedGen C1861065, MONDO:0013412, OMIM 613765.
Primary dilated cardiomyopathy (DCM). Also called: Dilated Cardiomyopathy. Identifiers: Orphanet 217604, MedGen C0007193, MeSH D002311, MONDO:0005021, HP:0001644. Inheritance: Various modes of inheritance.

Allele frequency attached by ClinVar (database versions not stated): gnomAD exomes below 0.00001.
gnomAD v4.1: 1 of 1,613,600 alleles (0.000062%); highest among the groups gnomAD compares: Non-Finnish European, 0.000085%; no homozygotes.

Submissions (5):

Labcorp Genetics (formerly Invitae), Labcorp
Classification: Likely pathogenic for Dilated cardiomyopathy 1G; Autosomal recessive limb-girdle muscular dystrophy type 2J. Last evaluated: 2025-11-11. Review status: criteria provided, single submitter. Criteria: Invitae Variant Classification Sherloc (09022015). Collection method: clinical testing. Allele origin: germline.
Comment: This sequence change creates a premature translational stop signal (p.Gln28126*) in the TTN gene. While this is not anticipated to result in nonsense mediated decay, it is expected to create a truncated TTN protein. This variant is not present in population databases (gnomAD no frequency). This premature translational stop signal has been observed in individual(s) with dilated cardiomyopathy (PMID: 25589632; internal data). ClinVar contains an entry for this variant (Variation ID: 223387). This variant is located in the A band of TTN (PMID: 25589632). Truncating variants in this region are significantly overrepresented in patients affected with dilated cardiomyopathy (PMID: 25589632). Truncating variants in this region have also been reported in individuals affected with autosomal recessive centronuclear myopathy (PMID: 23975875). In summary, the currently available evidence indicates that the variant is pathogenic, but additional data are needed to prove that conclusively. Therefore, this variant has been classified as Likely Pathogenic.

GeneDx
Classification: Likely pathogenic. Last evaluated: 2025-06-03. Review status: criteria provided, single submitter. Criteria: GeneDx Variant Classification Process June 2021. Collection method: clinical testing. Allele origin: germline. Affected: yes.
Comment: Identified in patients with DCM in published literature (PMID: 25589632, 37767697); Nonsense variant predicted to result in protein truncation or nonsense mediated decay in a gene for which loss of function is a known mechanism of disease; Not observed at significant frequency in large population cohorts (gnomAD); Located in the A-band, a region of TTN for which truncating variants are significantly associated with autosomal dominant cardiomyopathy and also with autosomal recessive skeletal myopathies (PMID: 22335739, 32778822); Also known as p.(Gln19061*); This variant is associated with the following publications: (PMID: 22335739, 32778822, 38438525, 25589632, 37767697, 34461741)

Ambry Genetics
Classification: Likely pathogenic for Cardiovascular phenotype. Last evaluated: 2025-03-05. Review status: criteria provided, single submitter. Criteria: Ambry Variant Classification Scheme 2023. Collection method: clinical testing. Allele origin: germline.
Comment: The p.Q19061* variant (also known as c.57181C>T), located in coding exon 153 of the TTN gene, results from a C to T substitution at nucleotide position 57181. This changes the amino acid from a glutamine to a stop codon within coding exon 153. This exon is located in the A-band region of the N2-B isoform of the titin protein and is constitutively expressed in TTN transcripts (percent spliced in or PSI 100%). This variant, also reported as p.Q28126* (c.84376C>T), has been reported in association with dilated cardiomyopathy (DCM) (Roberts AM et al. Sci Transl Med, 2015 Jan;7:270ra6). This variant is expected to result in loss of function by premature protein truncation or nonsense-mediated mRNA decay. While truncating variants in TTN are present in 1-3% of the general population, truncating variants in the A-band are the most common cause of dilated cardiomyopathy (Herman DS et al. N. Engl. J. Med., 2012 Feb;366:619-28; Roberts AM et al. Sci Transl Med, 2015 Jan;7:270ra6). TTN truncating variants encoded in constitutive exons (PSI >90%) have been found to be significantly associated with DCM regardless of their position in titin (Schafer S et al. Nat. Genet., 2017 01;49:46-53; Akhtar MM et al. Circ Heart Fail, 2020 Oct;13:e006832; Massier M et al. Clin Genet, 2025 Jan). This variant is considered to be rare based on population cohorts in the Genome Aggregation Database (gnomAD). Based on the majority of available evidence to date, this variant is likely to be pathogenic.

Fulgent Genetics
Classification: Likely pathogenic for Tibial muscular dystrophy; Myopathy, myofibrillar, 9, with early respiratory failure; Dilated cardiomyopathy 1G; Autosomal recessive limb-girdle muscular dystrophy type 2J; Early-onset myopathy with fatal cardiomyopathy; Hypertrophic cardiomyopathy 9. Last evaluated: 2021-09-10. Review status: criteria provided, single submitter. Criteria: ACMG Guidelines, 2015. Collection method: clinical testing. Allele origin: unknown.

Cardiovascular Biomedical Research Unit, Royal Brompton & Harefield NHS Foundation Trust
Classification: Likely pathogenic for Primary dilated cardiomyopathy. Last evaluated: 2014-10-08. Review status: criteria provided, single submitter. Criteria: Roberts et al. 2015. Collection method: research. Allele origin: germline. Inheritance: Autosomal dominant inheritance. Affected: yes. Observed: 1 variant allele. Study: Familial DCM.
Comment: In the seven cohorts assessed, TTNtv were found in 14% of ambulant DCM, 22% end-stage or familial DCM, and 2% controls. Heterozygous nonsense, frameshift and canonical splice-disrupting variants found in constitutive and other highly utilised exons are highly likely to be pathogenic when identified in individuals with phenotypically confirmed DCM. TTNtv found incidentally in healthy individuals (excluding familial assessment of DCM relatives) are thought to have low penetrance, particularly when identified in exons that are not constitutively expressed in the heart.

Literature cited by the submitters: PubMed 25589632 (cited by Labcorp Genetics (formerly Invitae), Labcorp and Ambry Genetics); PubMed 23975875 (cited by Labcorp Genetics (formerly Invitae), Labcorp).